The following is an entry in ClinVar:

NM_000410.4(HFE):c.440_446del (p.Glu147fs)

Gene: HFE (homeostatic iron regulator; plus strand). Cytogenetic location: 6p22.2.
Variant type: Deletion.
Coding change: c.440_446del on transcript NM_000410.4 (MANE Select); coding-DNA positions 440 to 446, 7 bases deleted (AATTCTG; older notation c.440_446delAATTCTG).
Protein change: p.Glu147fs; shifts the reading frame from glutamic acid 147.
Molecular consequence: frameshift variant. On other transcripts: intron variant (4).
Genome position (GRCh38, 1-based): chr6:26,091,413-26,091,419, AATTCTG deleted; deleting any 7 consecutive bases within chr6:26,091,411-26,091,419 gives the same sequence; the c. name uses the placement nearest the transcript's 3' end. VCF-style (leftmost placement, unchanged base first): chr6-26091410-TTGAATTC-T. GRCh37 (hg19) VCF-style: chr6-26091638-TTGAATTC-T.
Other names: c.176_182del, p.Glu59fs (NM_139008.3, NM_001406752.1, NM_139007.3); c.371_377del, p.Glu124fs (NM_139009.3); c.340+309_340+315del (NM_139004.3, NM_139003.3); c.77-1272_77-1266del (NM_139010.3); c.77-1706_77-1700del (NM_139011.3); c.440_446del, p.Glu147fs (NM_001300749.3, NM_001384164.1, NM_001406751.1 and 1 more transcripts); short protein forms E147fs, E59fs, E124fs.
Identifiers: ClinVar variation 3671897 (VCV003671897.2).

ClinVar aggregate classification (germline): Pathogenic (1 of 4 stars; one submission).

Conditions:
Hereditary hemochromatosis (HFE). Identifiers: MedGen C0392514, MONDO:0006507. Disease mechanism: loss of function.

Submission:

Labcorp Genetics (formerly Invitae), Labcorp
Classification: Pathogenic for Hereditary hemochromatosis. Last evaluated: 2024-04-03. Review status: criteria provided, single submitter. Criteria: Invitae Variant Classification Sherloc (09022015). Collection method: clinical testing. Allele origin: germline.
Comment: This sequence change creates a premature translational stop signal (p.Glu147Alafs*62) in the HFE gene. It is expected to result in an absent or disrupted protein product. Loss-of-function variants in HFE are known to be pathogenic (PMID: 27518069). This variant is not present in population databases (gnomAD no frequency). This variant has not been reported in the literature in individuals affected with HFE-related conditions. For these reasons, this variant has been classified as Pathogenic.

Literature cited by the submitters: PubMed 27518069.